The following is an entry in ClinVar:

ClinVar aggregate classification (germline): Pathogenic (1 of 4 stars; one submission).

Conditions:
Ataxia-telangiectasia syndrome (AT). Also called: Ataxia-telangiectasia, complementation group E; LOUIS-BAR SYNDROME; Ataxia-telangiectasia, complementation group D; AT, COMPLEMENTATION GROUP C; Ataxia-telangiectasia; Cerebello-oculocutaneous telangiectasia. Identifiers: Orphanet 100, MedGen C0004135, MONDO:0008840, OMIM 208900.

Submission:

Labcorp Genetics (formerly Invitae), Labcorp
Classification: Pathogenic for Ataxia-telangiectasia syndrome. Last evaluated: 2021-07-06. Review status: criteria provided, single submitter. Criteria: Invitae Variant Classification Sherloc (09022015). Collection method: clinical testing. Allele origin: germline.
Comment: This sequence change creates a premature translational stop signal (p.Cys1495Valfs*4) in the ATM gene. It is expected to result in an absent or disrupted protein product. Loss-of-function variants in ATM are known to be pathogenic (PMID: 23807571, 25614872). This variant is not present in population databases (ExAC no frequency). This variant has not been reported in the literature in individuals affected with ATM-related conditions. For these reasons, this variant has been classified as Pathogenic.

Literature cited by the submitters: PubMed 23807571; PubMed 25614872.

NM_000051.4(ATM):c.4483del (p.Cys1495fs)

Gene: ATM (ATM serine/threonine kinase; plus strand). Cytogenetic location: 11q22.3.
Variant type: Deletion.
Coding change: c.4483del on transcript NM_000051.4 (MANE Select); coding-DNA position 4483, one base deleted (T; older notation c.4483delT).
Protein change: p.Cys1495fs; shifts the reading frame from cysteine 1495.
Molecular consequence: frameshift variant.
Genome position (GRCh38, 1-based): chr11:108,292,665, T deleted; the last of 2 consecutive T bases (chr11:108,292,664-108,292,665); deleting either gives the same sequence. VCF-style (leftmost placement, unchanged base first): chr11-108292663-GT-G. GRCh37 (hg19) VCF-style: chr11-108163390-GT-G.
Other names: c.4483del, p.Cys1495fs (NM_001351834.2); short protein forms C1495fs.
Identifiers: ClinVar variation 1454070 (VCV001454070.6), dbSNP rs2135798648, ClinGen allele CA2573146647.